The following is an entry in ClinVar:

ClinVar aggregate classification (germline): Uncertain significance. Review status: criteria provided, multiple submitters, no conflicts (2 of 4 stars). 3 submissions from 3 submitters: Uncertain significance (3). Last evaluated 2024-08-14.

Conditions:
Emery-Dreifuss muscular dystrophy 4, autosomal dominant (EDMD4). Also called: EMERY-DREIFUSS MUSCULAR DYSTROPHY 4 WITH VARIABLE FEATURES. Identifiers: Orphanet 261, MedGen C2751807, MONDO:0013071, OMIM 612998.
Autosomal recessive ataxia, Beauce type. Also called: Spinocerebellar ataxia, autosomal recessive 8; ATAXIA, RECESSIVE, OF BEAUCE; SYNE1-Related Autosomal Recessive Cerebellar Ataxia; SYNE1 Deficiency. Identifiers: Orphanet 88644, MedGen C1853116, MONDO:0012549, OMIM 610743.

Allele frequency attached by ClinVar (database versions not stated): gnomAD exomes below 0.00001 and 0.00003; gnomAD 0.00001 and 0.00002; TOPMed 0.00001; ExAC 0.00003.
gnomAD v4.1: 11 of 1,614,062 alleles (0.00068%); highest among the groups gnomAD compares: East Asian, 0.022%; no homozygotes.

Submissions (3):

Revvity Omics, Revvity
Classification: Uncertain significance. Last evaluated: 2024-08-14. Review status: criteria provided, single submitter. Criteria: ACMG Guidelines, 2015. Collection method: clinical testing. Allele origin: germline.

Labcorp Genetics (formerly Invitae), Labcorp
Classification: Uncertain significance for Emery-Dreifuss muscular dystrophy 4, autosomal dominant; Autosomal recessive ataxia, Beauce type. Last evaluated: 2023-12-07. Review status: criteria provided, single submitter. Criteria: Invitae Variant Classification Sherloc (09022015). Collection method: clinical testing. Allele origin: germline.
Comment: This sequence change replaces leucine, which is neutral and non-polar, with phenylalanine, which is neutral and non-polar, at codon 7232 of the SYNE1 protein (p.Leu7232Phe). This variant is present in population databases (rs753138419, gnomAD 0.05%). This variant has not been reported in the literature in individuals affected with SYNE1-related conditions. ClinVar contains an entry for this variant (Variation ID: 448578). An algorithm developed to predict the effect of missense changes on protein structure and function (PolyPhen-2) suggests that this variant is likely to be disruptive. In summary, the available evidence is currently insufficient to determine the role of this variant in disease. Therefore, it has been classified as a Variant of Uncertain Significance.

Athena Diagnostics
Classification: Uncertain significance. Last evaluated: 2018-11-20. Review status: criteria provided, single submitter. Criteria: Athena Diagnostics Criteria. Collection method: clinical testing. Allele origin: germline.

NM_182961.4(SYNE1):c.21907C>T (p.Leu7303Phe)

Gene: SYNE1 (spectrin repeat containing nuclear envelope protein 1; minus strand). Cytogenetic location: 6q25.2.
Variant type: single nucleotide variant.
Coding change: c.21907C>T on transcript NM_182961.4 (MANE Select); coding-DNA position 21907, C replaced by T.
Protein change: p.Leu7303Phe; replaces leucine 7303 with phenylalanine.
Molecular consequence: missense variant.
Genome position (GRCh38, 1-based): chr6:152,219,140, G>A on the plus strand (C>T on the coding strand, the complement: SYNE1 is on the minus strand). VCF-style: chr6-152219140-G-A. GRCh37 (hg19) VCF-style: chr6-152540275-G-A.
Other names: c.21694C>T, p.Leu7232Phe (NM_033071.5); c.21694C>T (NM_033071.3); short protein forms L7232F, L7303F.
Identifiers: ClinVar variation 448578 (VCV000448578.9), dbSNP rs753138419, ClinGen allele CA4054019.